The following is an entry in ClinVar:

NM_000051.4(ATM):c.6692T>G (p.Leu2231Trp)

Genes: ATM (ATM serine/threonine kinase; plus strand), C11orf65 (chromosome 11 open reading frame 65; minus strand). Cytogenetic location: 11q22.3.
Variant type: single nucleotide variant.
Coding change: c.6692T>G on transcript NM_000051.4 (MANE Select); coding-DNA position 6692, T replaced by G.
Protein change: p.Leu2231Trp; replaces leucine 2231 with tryptophan.
Molecular consequence: missense variant. On other transcripts: intron variant (2).
Genome position (GRCh38, 1-based): chr11:108,325,429, T>G. VCF-style: chr11-108325429-T-G. GRCh37 (hg19) VCF-style: chr11-108196156-T-G.
Other names: c.6692T>G, p.Leu2231Trp (NM_001351834.2); c.641-16358A>C (NM_001330368.2); c.*38+9791A>C (NM_001351110.2); short protein forms L2231W.
Identifiers: ClinVar variation 3801227 (VCV003801227.1).
Genomic context (GRCh38, chr11:108,325,429, plus strand): 5'-TTCTCAAGGACAGTGATTTTAGTTTTCAGGAGCCTATCATGGCTCTACGCACAGTCATTT[T>G]GGAGATCCTGATGGAAAAGGAAATGGACAACTCACAAAGAGAATGTATTAAGGACATTCT-3'
Protein context (NP_000042.3, residues 2221-2241): EPIMALRTVI[Leu2231Trp]EILMEKEMDN

ClinVar aggregate classification (germline): Uncertain significance (1 of 4 stars; one submission).

Conditions:
Hereditary cancer-predisposing syndrome. Also called: Neoplastic Syndromes, Hereditary; Tumor predisposition; Hereditary Cancer Syndrome; Hereditary neoplastic syndrome. Identifiers: Orphanet 140162, MedGen C0027672, MeSH D009386, MONDO:0015356.

Submission:

Ambry Genetics
Classification: Uncertain significance for Hereditary cancer-predisposing syndrome. Last evaluated: 2024-12-12. Review status: criteria provided, single submitter. Criteria: Ambry Variant Classification Scheme 2023. Collection method: clinical testing. Allele origin: germline.
Comment: The p.L2231W variant (also known as c.6692T>G), located in coding exon 45 of the ATM gene, results from a T to G substitution at nucleotide position 6692. The leucine at codon 2231 is replaced by tryptophan, an amino acid with similar properties. This amino acid position is conserved. In addition, this alteration is predicted to be deleterious by in silico analysis. Based on the available evidence, the clinical significance of this variant remains unclear.